The following is an entry in ClinVar:

NM_000459.5(TEK):c.12A>C (p.Leu4Phe)

Gene: TEK (TEK receptor tyrosine kinase; plus strand). Cytogenetic location: 9p21.2.
Variant type: single nucleotide variant.
Coding change: c.12A>C on transcript NM_000459.5 (MANE Select); coding-DNA position 12, A replaced by C.
Protein change: p.Leu4Phe; replaces leucine 4 with phenylalanine.
Molecular consequence: missense variant.
Genome position (GRCh38, 1-based): chr9:27,109,602, A>C. VCF-style: chr9-27109602-A-C. GRCh37 (hg19) VCF-style: chr9-27109600-A-C.
Other names: c.12A>C, p.Leu4Phe (NM_001290077.2, NM_001290078.2, NM_001375475.1 and 1 more transcripts); short protein forms L4F.
Identifiers: ClinVar variation 913742 (VCV000913742.4), dbSNP rs146485295, ClinGen allele CA5015809.
Genomic context (GRCh38, chr9:27,109,602, plus strand): 5'-GGGACCTCATGCACATTTGTGGAAACTGGATGGAGAGATTTGGGGAAGCATGGACTCTTT[A>C]GCCAGCTTAGTTCTCTGTGGAGTCAGCTTGCTCCTTTCTGGTAAGGTTTGGCTTTATTTT-3'
Protein context (NP_000450.3, residues 1-14): MDS[Leu4Phe]ASLVLCGVSL

ClinVar aggregate classification (germline): Benign (1 of 4 stars; one submission).

Conditions:
Multiple cutaneous and mucosal venous malformations (VMCM). Also called: TEK-Related Multiple Cutaneous and Mucosal Venous Malformations (VMCM). Identifiers: Orphanet 2451, MedGen C1838437, MONDO:0010842, OMIM 600195.

Allele frequency attached by ClinVar (database versions not stated): gnomAD exomes 0.00004 and 0.00012; TOPMed 0.00006; ExAC 0.00003; gnomAD 0.00010 and 0.00009; ESP Exome Variant Server 0.00023.
gnomAD v4.1: 183 of 1,613,918 alleles (0.011%); highest among the groups gnomAD compares: Non-Finnish European, 0.015%; no homozygotes.

Submission:

Illumina Laboratory Services, Illumina
Classification: Benign for Multiple cutaneous and mucosal venous malformations. Last evaluated: 2018-01-12. Review status: criteria provided, single submitter. Criteria: ICSL Variant Classification Criteria 13 December 2019. Collection method: clinical testing. Allele origin: germline.
Comment: This variant was observed in the ICSL laboratory as part of a predisposition screen in an ostensibly healthy population. It had not been previously curated by ICSL or reported in the Human Gene Mutation Database (HGMD: prior to June 1st, 2018), and was therefore a candidate for classification through an automated scoring system. Utilizing variant allele frequency, disease prevalence and penetrance estimates, and inheritance mode, an automated score was calculated to assess if this variant is too frequent to cause the disease. Based on the score and internal cut-off values, a variant classified as benign is not then subjected to further curation. The score for this variant resulted in a classification of benign for this disease.